The following is an entry in ClinVar:

ClinVar aggregate classification (germline): Likely benign. Review status: criteria provided, multiple submitters, no conflicts (2 of 4 stars). 2 submissions from 2 submitters: Likely benign (2). Last evaluated 2026-03-27.

Conditions:
Long QT syndrome (LQTS). Identifiers: MedGen C0023976, MeSH D008133, MONDO:0002442. Disease mechanism: loss of function. Inheritance: Various modes of inheritance.

Allele frequency attached by ClinVar (database versions not stated): TOPMed below 0.00001; gnomAD exomes below 0.00001.
gnomAD v4.1: 2 of 1,582,120 alleles (0.00013%); highest among the groups gnomAD compares: Non-Finnish European, 0.00017%; no homozygotes.

Submissions (2):

Molecular Diagnostic Laboratory for Inherited Cardiovascular Disease, Montreal Heart Institute
Classification: Likely benign. Last evaluated: 2026-03-27. Review status: criteria provided, single submitter. Criteria: ACMG Guidelines, 2015. Collection method: clinical testing. Allele origin: germline. Affected: no.
Comment: BP4

Labcorp Genetics (formerly Invitae), Labcorp
Classification: Likely benign for Long QT syndrome. Last evaluated: 2024-06-17. Review status: criteria provided, single submitter. Criteria: Invitae Variant Classification Sherloc (09022015). Collection method: clinical testing. Allele origin: germline.

NM_000719.7(CACNA1C):c.2339+10T>G

Gene: CACNA1C (calcium voltage-gated channel subunit alpha1 C; plus strand). Cytogenetic location: 12p13.33.
Variant type: single nucleotide variant.
Coding change: c.2339+10T>G on transcript NM_000719.7 (MANE Select); 10 bases into the intron after coding-DNA position 2339, T replaced by G.
Molecular consequence: intron variant.
Genome position (GRCh38, 1-based): chr12:2,584,627, T>G. VCF-style: chr12-2584627-T-G. GRCh37 (hg19) VCF-style: chr12-2693793-T-G.
Other names: c.2339+10T>G (NM_199460.3, NM_001167624.3, NM_001167623.2 and 19 more transcripts); c.2330+10T>G (NM_001129844.2).
Identifiers: ClinVar variation 1091470 (VCV001091470.10), dbSNP rs1240969473, ClinGen allele CA602710894.